The following is an entry in ClinVar:

NM_001282531.3(ADNP):c.3292A>G (p.Ser1098Gly)

Gene: ADNP (activity dependent neuroprotector homeobox; minus strand). Cytogenetic location: 20q13.13.
Variant type: single nucleotide variant.
Coding change: c.3292A>G on transcript NM_001282531.3 (MANE Select); coding-DNA position 3292, A replaced by G.
Protein change: p.Ser1098Gly; replaces serine 1098 with glycine.
Molecular consequence: missense variant.
Genome position (GRCh38, 1-based): chr20:50,891,422, T>C on the plus strand (A>G on the coding strand, the complement: ADNP is on the minus strand). VCF-style: chr20-50891422-T-C. GRCh37 (hg19) VCF-style: chr20-49507959-T-C.
Other names: c.3292A>G, p.Ser1098Gly (NM_001282532.2, NM_001347511.2, NM_015339.5 and 1 more transcripts); short protein forms S1098G.
Identifiers: ClinVar variation 2692581 (VCV002692581.1), dbSNP rs2515571327, ClinGen allele CA408966656.
Genomic context (GRCh38, chr20:50,891,422, plus strand): 5'-GTTCCAGGCTGCAGCATGTCACCAACGCCAGGGAACCTGGCACTTAGGCCTGTTGGCTGC[T>C]CAGTTTAACTCCGGCTAAGCTGCCATGCATGGGCTCAGCTACTCCATCAGTCATGTTGTC-3'
Protein context (NP_001269460.1, residues 1088-1102): MHGSLAGVKL[Ser1098Gly]SQQA

ClinVar aggregate classification (germline): Uncertain significance (1 of 4 stars; one submission).

Submission:

Greenwood Genetic Center Diagnostic Laboratories, Greenwood Genetic Center
Classification: Uncertain significance. Last evaluated: 2023-10-31. Review status: criteria provided, single submitter. Criteria: ACMG Guidelines, 2015. Collection method: clinical testing. Allele origin: germline. Affected: yes.
Comment: PM2